The following is an entry in ClinVar:

NM_024420.3(PLA2G4A):c.1966C>T (p.Pro656Ser)

Gene: PLA2G4A (phospholipase A2 group IVA; plus strand). Cytogenetic location: 1q31.1.
Variant type: single nucleotide variant.
Coding change: c.1966C>T on transcript NM_024420.3 (MANE Select); coding-DNA position 1966, C replaced by T.
Protein change: p.Pro656Ser; replaces proline 656 with serine.
Molecular consequence: missense variant.
Genome position (GRCh38, 1-based): chr1:186,979,320, C>T. VCF-style: chr1-186979320-C-T. GRCh37 (hg19) VCF-style: chr1-186948452-C-T.
Other names: c.1786C>T, p.Pro596Ser (NM_001311193.2); short protein forms P656S, P596S.
Identifiers: ClinVar variation 3419703 (VCV003419703.3).

ClinVar aggregate classification (germline): Uncertain significance. Review status: criteria provided, multiple submitters, no conflicts (2 of 4 stars). 2 submissions from 2 submitters: Uncertain significance (2). Last evaluated 2025-01-06.

gnomAD v4.1: 9 of 1,610,568 alleles (0.00056%); highest among the groups gnomAD compares: Middle Eastern, 0.016%; no homozygotes.

Submissions (2):

Labcorp Genetics (formerly Invitae), Labcorp
Classification: Uncertain significance. Last evaluated: 2025-01-06. Review status: criteria provided, single submitter. Criteria: Invitae Variant Classification Sherloc (09022015). Collection method: clinical testing. Allele origin: germline.
Comment: This sequence change replaces proline, which is neutral and non-polar, with serine, which is neutral and polar, at codon 656 of the PLA2G4A protein (p.Pro656Ser). This variant is present in population databases (rs770248313, gnomAD 0.003%). This variant has not been reported in the literature in individuals affected with PLA2G4A-related conditions. Invitae Evidence Modeling of protein sequence and biophysical properties (such as structural, functional, and spatial information, amino acid conservation, physicochemical variation, residue mobility, and thermodynamic stability) indicates that this missense variant is expected to disrupt PLA2G4A protein function with a positive predictive value of 80%. In summary, the available evidence is currently insufficient to determine the role of this variant in disease. Therefore, it has been classified as a Variant of Uncertain Significance.

Ambry Genetics
Classification: Uncertain significance. Last evaluated: 2024-10-03. Review status: criteria provided, single submitter. Criteria: Ambry Variant Classification Scheme 2023. Collection method: clinical testing. Allele origin: germline.